The following is an entry in ClinVar:

NM_138295.5(PKD1L1):c.2073G>A (p.Arg691=)

Gene: PKD1L1 (polycystin 1 like 1, transient receptor potential channel interacting; minus strand). Cytogenetic location: 7p12.3.
Variant type: single nucleotide variant.
Coding change: c.2073G>A on transcript NM_138295.5 (MANE Select); coding-DNA position 2073, G replaced by A.
Protein change: p.Arg691=; no amino-acid change (arginine 691 retained).
Molecular consequence: synonymous variant.
Genome position (GRCh38, 1-based): chr7:47,898,186, C>T on the plus strand (G>A on the coding strand, the complement: PKD1L1 is on the minus strand). VCF-style: chr7-47898186-C-T. GRCh37 (hg19) VCF-style: chr7-47937783-C-T.
Identifiers: ClinVar variation 3043626 (VCV003043626.2), dbSNP rs749304906, ClinGen allele CA4253855.
Genomic context (GRCh38, chr7:47,898,186, plus strand): 5'-TTGGGAAATATCACAGAAGACTGCAGCTTCAAACGTCACTCCCAGCCTCACAGGCTGAGA[C>T]CTCCATATCTAAGTATCAAGAAGAGAAGATGTCTCATTAAAATGTCCATCACATCTAATG-3'
Protein context (NP_612152.1, residues 681-701): NMGPGKVQIW[Arg691=]SQPVRLGVTF

ClinVar aggregate classification (germline): Likely benign (0 of 4 stars; one submission).

Conditions:
PKD1L1-related disorder. Also called: PKD1L1-related condition.

Allele frequency attached by ClinVar (database versions not stated): gnomAD exomes 0.00001; ExAC 0.00003; gnomAD 0.00003; TOPMed 0.00004.
gnomAD v4.1: 9 of 1,612,380 alleles (0.00056%); highest among the groups gnomAD compares: African/African-American, 0.012%; no homozygotes.

Submission:

PreventionGenetics, part of Exact Sciences
Classification: Likely benign for PKD1L1-related condition. Last evaluated: 2019-06-05. Review status: no assertion criteria provided. Collection method: clinical testing. Allele origin: germline.
Comment: This variant is classified as likely benign based on ACMG/AMP sequence variant interpretation guidelines (Richards et al. 2015 PMID: 25741868, with internal and published modifications).